The following is an entry in ClinVar:

NM_175914.5(HNF4A):c.1176C>T (p.Asn392=)

Gene: HNF4A (hepatocyte nuclear factor 4 alpha; plus strand). Cytogenetic location: 20q13.12.
Variant type: single nucleotide variant.
Coding change: c.1176C>T on transcript NM_175914.5 (MANE Select); coding-DNA position 1176, C replaced by T.
Protein change: p.Asn392=; no amino-acid change (asparagine 392 retained).
Molecular consequence: synonymous variant.
Genome position (GRCh38, 1-based): chr20:44,428,447, C>T. VCF-style: chr20-44428447-C-T. GRCh37 (hg19) VCF-style: chr20-43057087-C-T.
Other names: c.1242C>T, p.Asn414= (NM_000457.6, NM_178849.3); c.1176C>T, p.Asn392= (NM_001030003.3); c.1221C>T, p.Asn407= (NM_001258355.2); c.1167C>T, p.Asn389= (NM_001287182.2, NM_001287183.2).
Identifiers: ClinVar variation 338428 (VCV000338428.24), dbSNP rs141448616, ClinGen allele CA9870494.
Genomic context (GRCh38, chr20:44,428,447, plus strand): 5'-GCAGGAACATATGGGAACCAACGTCATCGTTGCCAACACAATGCCCACTCACCTCAGCAA[C>T]GGACAGATGTGTGAGTGGCCCCGACCCAGGGGACAGGCAGGTGGGCAAACTCTGGGATTT-3'
Protein context (NP_787110.2, residues 382-402): VANTMPTHLS[Asn392=]GQMCEWPRPR

ClinVar aggregate classification (germline): Conflicting classifications of pathogenicity. Review status: criteria provided, conflicting classifications (1 of 4 stars). 10 submissions from 9 submitters: Uncertain significance (1); Benign (3); Likely benign (5). 1 of the submissions does not count toward it. Last evaluated 2025-01-06.

Conditions:
HNF4A-related disorder. Also called: HNF4A-related condition.
Maturity-onset diabetes of the young type 1. Also called: MODY type 1; Diabetes mellitus MODY type 1; MODY HNF4A related; HNF4A-Related Maturity-Onset Diabetes of the Young Type 1; MILD JUVENILE DIABETES MELLITUS; MODY, type I. Identifiers: Orphanet 552, MedGen C1852093, MONDO:0007452, OMIM 125850. Disease mechanism: loss of function.
Maturity-onset diabetes of the young (MODY). Also called: Maturity onset diabetes mellitus in young. Identifiers: Orphanet 552, MedGen C0342276, MONDO:0018911, HP:0004904.
Familial hyperinsulinism. Also called: Congenital hyperinsulinism. Identifiers: Orphanet 276525, MedGen C3888018, MONDO:0017182. Disease mechanism: loss of function.

Allele frequency attached by ClinVar (database versions not stated): ESP Exome Variant Server 0.00023; TOPMed 0.00024; gnomAD exomes 0.00032; gnomAD 0.00033 and 0.00034; ExAC 0.00034.
gnomAD v4.1: 830 of 1,614,168 alleles (0.051%); highest among the groups gnomAD compares: Middle Eastern, 0.13%; 1 homozygote.

Submissions (10):

Women's Health and Genetics/Laboratory Corporation of America, LabCorp
Classification: Benign. Last evaluated: 2025-01-06. Review status: criteria provided, single submitter. Criteria: LabCorp Variant Classification Summary - May 2015. Collection method: clinical testing. Allele origin: germline.

Blueprint Genetics
Classification: Likely benign. Last evaluated: 2024-05-22. Review status: criteria provided, single submitter. Criteria: ACMG Guidelines, 2015. Collection method: clinical testing. Allele origin: germline.

Labcorp Genetics (formerly Invitae), Labcorp
Classification: Likely benign. Last evaluated: 2024-05-16. Review status: criteria provided, single submitter. Criteria: Invitae Variant Classification Sherloc (09022015). Collection method: clinical testing. Allele origin: germline.

Ambry Genetics
Classification: Likely benign for Maturity-onset diabetes of the young. Last evaluated: 2022-04-04. Review status: criteria provided, single submitter. Criteria: Ambry Variant Classification Scheme 2023. Collection method: clinical testing. Allele origin: germline.

GeneDx
Classification: Likely benign. Last evaluated: 2021-09-27. Review status: criteria provided, single submitter. Criteria: GeneDx Variant Classification Process June 2021. Collection method: clinical testing. Allele origin: germline. Affected: yes.
Comment: See Variant Classification Assertion Criteria.

Athena Diagnostics
Classification: Benign. Last evaluated: 2019-03-13. Review status: criteria provided, single submitter. Criteria: Athena Diagnostics Criteria. Collection method: clinical testing. Allele origin: germline.

Illumina Laboratory Services, Illumina
Classification: Uncertain significance for Familial hyperinsulinism. Last evaluated: 2018-01-13. Review status: criteria provided, single submitter. Criteria: ICSL Variant Classification Criteria 13 December 2019. Collection method: clinical testing. Allele origin: germline.

Illumina Laboratory Services, Illumina
Classification: Likely benign for Maturity-onset diabetes of the young type 1. Last evaluated: 2018-01-13. Review status: criteria provided, single submitter. Criteria: ICSL Variant Classification Criteria 13 December 2019. Collection method: clinical testing. Allele origin: germline.
Comment: This variant was observed in the ICSL laboratory as part of a predisposition screen in an ostensibly healthy population. It had not been previously curated by ICSL or reported in the Human Gene Mutation Database (HGMD: prior to June 1st, 2018), and was therefore a candidate for classification through an automated scoring system. Utilizing variant allele frequency, disease prevalence and penetrance estimates, and inheritance mode, an automated score was calculated to assess if this variant is too frequent to cause the disease. Based on the score and internal cut-off values, a variant classified as likely benign is not then subjected to further curation. The score for this variant resulted in a classification of likely benign for this disease.

Clinical Genomics, Uppaluri K&H Personalized Medicine Clinic
Classification: Benign for Maturity-onset diabetes of the young. Review status: criteria provided, single submitter. Criteria: K & H Uppaluri Personalized Medicine Clinic Variant Classification & Assertion Criteria_Updated V.1. Collection method: research. Allele origin: unknown. Inheritance: Autosomal dominant inheritance.
Comment: Potent mutations in HNF4A are associated with poor insulin secretion in response to hyperglycemia. Associated with MODY1. Patients initially respond well to sulfonylureas but eventually become insulin dependent. However, more evidence is required to ascertain the role of this particular variant rs141448616 in MODY, yet.

PreventionGenetics, part of Exact Sciences
Classification: Likely benign for HNF4A-related condition. Last evaluated: 2019-06-26. Review status: no assertion criteria provided. Collection method: clinical testing. Allele origin: germline. Not counted in ClinVar's aggregate classification.
Comment: This variant is classified as likely benign based on ACMG/AMP sequence variant interpretation guidelines (Richards et al. 2015 PMID: 25741868, with internal and published modifications).

Literature cited by the submitters: DOI 10.1159/000334532 (cited by Clinical Genomics, Uppaluri K&H Personalized Medicine Clinic); PubMed 18268044 (cited by Clinical Genomics, Uppaluri K&H Personalized Medicine Clinic); PubMed 17563455 (cited by Clinical Genomics, Uppaluri K&H Personalized Medicine Clinic); PubMed 32583173 (cited by Clinical Genomics, Uppaluri K&H Personalized Medicine Clinic); PubMed 35052457 (cited by Clinical Genomics, Uppaluri K&H Personalized Medicine Clinic); PubMed 35118593 (cited by Clinical Genomics, Uppaluri K&H Personalized Medicine Clinic).